The following is an entry in ClinVar:

NM_004963.4(GUCY2C):c.1760G>A (p.Trp587Ter)

Gene: GUCY2C (guanylate cyclase 2C; minus strand). Cytogenetic location: 12p12.3.
Variant type: single nucleotide variant.
Coding change: c.1760G>A on transcript NM_004963.4 (MANE Select); coding-DNA position 1760, G replaced by A.
Protein change: p.Trp587Ter; replaces tryptophan 587 with a stop codon.
Molecular consequence: nonsense.
Genome position (GRCh38, 1-based): chr12:14,645,266, C>T on the plus strand (G>A on the coding strand, the complement: GUCY2C is on the minus strand). VCF-style: chr12-14645266-C-T. GRCh37 (hg19) VCF-style: chr12-14798200-C-T.
Other names: short protein forms W587*.
Identifiers: ClinVar variation 2705333 (VCV002705333.3), dbSNP rs2497693692, ClinGen allele CA383986867.

ClinVar aggregate classification (germline): Uncertain significance (1 of 4 stars; one submission).

Submission:

Labcorp Genetics (formerly Invitae), Labcorp
Classification: Uncertain significance. Last evaluated: 2025-06-09. Review status: criteria provided, single submitter. Criteria: Invitae Variant Classification Sherloc (09022015). Collection method: clinical testing. Allele origin: germline.
Comment: This sequence change creates a premature translational stop signal (p.Trp587*) in the GUCY2C gene. It is expected to result in an absent or disrupted protein product. However, the current clinical and genetic evidence is not sufficient to establish whether loss-of-function variants in GUCY2C cause disease. This variant is not present in population databases (gnomAD no frequency). This variant has not been reported in the literature in individuals affected with GUCY2C-related conditions. ClinVar contains an entry for this variant (Variation ID: 2705333). In summary, the available evidence is currently insufficient to determine the role of this variant in disease. Therefore, it has been classified as a Variant of Uncertain Significance.